The following is an entry in ClinVar:

ClinVar aggregate classification (germline): Uncertain significance. Review status: criteria provided, multiple submitters, no conflicts (2 of 4 stars). 4 submissions from 4 submitters: Uncertain significance (3). 1 of the submissions does not count toward it. Last evaluated 2024-09-09.

Conditions:
RIMS1-related disorder. Also called: RIMS1-related condition.

Allele frequency attached by ClinVar (database versions not stated): gnomAD exomes 0.00004 and 0.00012; TOPMed 0.00009; gnomAD 0.00010 and 0.00011; ESP Exome Variant Server 0.00017; ExAC 0.00018.
gnomAD v4.1: 180 of 1,572,552 alleles (0.011%); highest among the groups gnomAD compares: Non-Finnish European, 0.015%; no homozygotes.

Submissions (4):

Labcorp Genetics (formerly Invitae), Labcorp
Classification: Uncertain significance. Last evaluated: 2024-09-09. Review status: criteria provided, single submitter. Criteria: Invitae Variant Classification Sherloc (09022015). Collection method: clinical testing. Allele origin: germline.
Comment: This sequence change replaces serine, which is neutral and polar, with alanine, which is neutral and non-polar, at codon 582 of the RIMS1 protein (p.Ser582Ala). This variant is present in population databases (rs377567871, gnomAD 0.01%). This variant has not been reported in the literature in individuals affected with RIMS1-related conditions. ClinVar contains an entry for this variant (Variation ID: 866248). An algorithm developed to predict the effect of missense changes on protein structure and function (PolyPhen-2) suggests that this variant is likely to be disruptive. In summary, the available evidence is currently insufficient to determine the role of this variant in disease. Therefore, it has been classified as a Variant of Uncertain Significance.

Blueprint Genetics
Classification: Uncertain significance. Last evaluated: 2024-05-13. Review status: criteria provided, single submitter. Criteria: ACMG Guidelines, 2015. Collection method: clinical testing. Allele origin: germline.

Department of Pathology and Laboratory Medicine, Sinai Health System
Classification: Uncertain significance for RIMS1-related disorder. Last evaluated: 2022-05-10. Review status: criteria provided, single submitter. Criteria: ACMG Guidelines, 2015. Collection method: research. Allele origin: germline.

PreventionGenetics, part of Exact Sciences
Classification: Uncertain significance for RIMS1-related condition. Last evaluated: 2024-03-11. Review status: no assertion criteria provided. Collection method: clinical testing. Allele origin: germline. Not counted in ClinVar's aggregate classification.
Comment: The RIMS1 c.1744T>G variant is predicted to result in the amino acid substitution p.Ser582Ala. To our knowledge, this variant has not been reported in the literature. This variant is reported in 0.014% of alleles in individuals of European (Non-Finnish) descent in gnomAD, which may be too common to be a primary cause of disease. Although we suspect that this variant may be benign, at this time, the clinical significance of this variant is uncertain due to the absence of conclusive functional and genetic evidence.

NM_014989.7(RIMS1):c.1744T>G (p.Ser582Ala)

Gene: RIMS1 (regulating synaptic membrane exocytosis 1; plus strand). Cytogenetic location: 6q13.
Variant type: single nucleotide variant.
Coding change: c.1744T>G on transcript NM_014989.7 (MANE Select); coding-DNA position 1744, T replaced by G.
Protein change: p.Ser582Ala; replaces serine 582 with alanine.
Molecular consequence: missense variant. On other transcripts: 5 prime UTR variant (9).
Genome position (GRCh38, 1-based): chr6:72,233,838, T>G. VCF-style: chr6-72233838-T-G. GRCh37 (hg19) VCF-style: chr6-72943541-T-G.
Other names: c.1744T>G (NM_014989.6); c.166T>G, p.Ser56Ala (NM_001168407.2, NM_001168408.2, NM_001350414.2 and 37 more transcripts); c.-78T>G (NM_001168409.2, NM_001350461.2, NM_001350463.2 and 6 more transcripts); c.121T>G, p.Ser41Ala (NM_001168410.2, NM_001350470.2, NM_001350472.2 and 2 more transcripts); c.97T>G, p.Ser33Ala (NM_001350421.2, NM_001350424.2, NM_001350428.2 and 6 more transcripts); short protein forms S33A, S56A, S41A, S582A.
Identifiers: ClinVar variation 866248 (VCV000866248.13), dbSNP rs377567871, ClinGen allele CA3885791.